The following is an entry in ClinVar:

NM_003072.5(SMARCA4):c.38G>A (p.Arg13Gln)

Gene: SMARCA4 (SWI/SNF related BAF chromatin remodeling complex subunit ATPase 4; plus strand). Cytogenetic location: 19p13.2.
Variant type: single nucleotide variant.
Coding change: c.38G>A on transcript NM_003072.5 (MANE Select); coding-DNA position 38, G replaced by A.
Protein change: p.Arg13Gln; replaces arginine 13 with glutamine.
Molecular consequence: missense variant. On other transcripts: non-coding transcript variant (1).
Genome position (GRCh38, 1-based): chr19:10,984,189, G>A. VCF-style: chr19-10984189-G-A. GRCh37 (hg19) VCF-style: chr19-11094865-G-A.
Other names: c.38G>A (NM_001128849.2); c.38G>A, p.Arg13Gln (NM_001128844.3, NM_001128845.2, NM_001128846.2 and 5 more transcripts); short protein forms R13Q.
Identifiers: ClinVar variation 470373 (VCV000470373.20), dbSNP rs143950084, ClinGen allele CA9203385.

ClinVar aggregate classification (germline): Conflicting classifications of pathogenicity. Review status: criteria provided, conflicting classifications (1 of 4 stars). 6 submissions from 6 submitters: Uncertain significance (5); Likely benign (1). Last evaluated 2025-09-19.

Conditions:
Intellectual disability, autosomal dominant 16 (CSS4). Also called: COFFIN-SIRIS SYNDROME 4. Identifiers: Orphanet 1465, MedGen C3553249, MONDO:0013821, OMIM 614609.
Hereditary cancer-predisposing syndrome. Also called: Hereditary neoplastic syndrome; Neoplastic Syndromes, Hereditary; Tumor predisposition; Hereditary Cancer Syndrome. Identifiers: Orphanet 140162, MedGen C0027672, MeSH D009386, MONDO:0015356.
Rhabdoid tumor predisposition syndrome 2 (RTPS2). Identifiers: Orphanet 231108, Orphanet 69077, MedGen C2750074, MONDO:0013224, OMIM 613325.

Allele frequency attached by ClinVar (database versions not stated): TOPMed below 0.00001; ExAC 0.00001; gnomAD exomes 0.00001 and 0.00002; gnomAD 0.00003; ESP Exome Variant Server 0.00015.
gnomAD v4.1: 16 of 1,613,484 alleles (0.00099%); highest among the groups gnomAD compares: Admixed American, 0.0067%; no homozygotes.

Submissions (6):

Labcorp Genetics (formerly Invitae), Labcorp
Classification: Uncertain significance for Rhabdoid tumor predisposition syndrome 2. Last evaluated: 2025-09-19. Review status: criteria provided, single submitter. Criteria: Invitae Variant Classification Sherloc (09022015). Collection method: clinical testing. Allele origin: germline.
Comment: This sequence change replaces arginine, which is basic and polar, with glutamine, which is neutral and polar, at codon 13 of the SMARCA4 protein (p.Arg13Gln). This variant is present in population databases (rs143950084, gnomAD 0.01%). This variant has not been reported in the literature in individuals affected with SMARCA4-related conditions. ClinVar contains an entry for this variant (Variation ID: 470373). Invitae Evidence Modeling of protein sequence and biophysical properties (such as structural, functional, and spatial information, amino acid conservation, physicochemical variation, residue mobility, and thermodynamic stability) indicates that this missense variant is not expected to disrupt SMARCA4 protein function with a negative predictive value of 95%. In summary, the available evidence is currently insufficient to determine the role of this variant in disease. Therefore, it has been classified as a Variant of Uncertain Significance.

GeneDx
Classification: Uncertain significance. Last evaluated: 2024-01-07. Review status: criteria provided, single submitter. Criteria: GeneDx Variant Classification Process June 2021. Collection method: clinical testing. Allele origin: germline. Affected: yes.
Comment: In silico analysis supports that this missense variant does not alter protein structure/function; Has not been previously published as pathogenic or benign to our knowledge

Baylor Genetics
Classification: Uncertain significance for Rhabdoid tumor predisposition syndrome 2. Last evaluated: 2023-05-02. Review status: criteria provided, single submitter. Criteria: ACMG Guidelines, 2015. Collection method: clinical testing. Allele origin: unknown.

Ambry Genetics
Classification: Likely benign for Hereditary cancer-predisposing syndrome. Last evaluated: 2023-04-17. Review status: criteria provided, single submitter. Criteria: Ambry Variant Classification Scheme 2023. Collection method: clinical testing. Allele origin: germline.

Revvity Omics, Revvity
Classification: Uncertain significance for Intellectual disability, autosomal dominant 16. Last evaluated: 2021-10-07. Review status: criteria provided, single submitter. Criteria: ACMG Guidelines, 2015. Collection method: clinical testing. Allele origin: germline.

Genome-Nilou Lab
Classification: Uncertain significance for Intellectual disability, autosomal dominant 16. Last evaluated: 2021-07-15. Review status: criteria provided, single submitter. Criteria: ACMG Guidelines, 2015. Collection method: clinical testing. Allele origin: germline. Affected: no.